The following is an entry in ClinVar:

ClinVar aggregate classification (germline): Likely pathogenic (1 of 4 stars; one submission).

Submission:

CeGaT Center for Human Genetics Tuebingen
Classification: Likely pathogenic. Last evaluated: 2023-01-01. Review status: criteria provided, single submitter. Criteria: CeGaT Center For Human Genetics Tuebingen Variant Classification Criteria Version 2. Collection method: clinical testing. Allele origin: germline. Affected: yes. Observed: 1 variant allele.
Comment: FUS: PM1, PM2, PM5

NM_004960.4(FUS):c.1556A>G (p.Gln519Arg)

Gene: FUS (FUS DNA/RNA binding protein; plus strand). Cytogenetic location: 16p11.2.
Variant type: single nucleotide variant.
Coding change: c.1556A>G on transcript NM_004960.4 (MANE Select); coding-DNA position 1556, A replaced by G.
Protein change: p.Gln519Arg; replaces glutamine 519 with arginine.
Molecular consequence: missense variant. On other transcripts: non-coding transcript variant (1).
Genome position (GRCh38, 1-based): chr16:31,191,413, A>G. VCF-style: chr16-31191413-A-G. GRCh37 (hg19) VCF-style: chr16-31202734-A-G.
Other names: c.1553A>G, p.Gln518Arg (NM_001170634.1); c.1544A>G, p.Gln515Arg (NM_001170937.1); short protein forms Q515R, Q518R, Q519R.
Identifiers: ClinVar variation 2498660 (VCV002498660.28), dbSNP rs2544281137, ClinGen allele CA395677399.